The following is an entry in ClinVar:

NM_001164508.2(NEB):c.709C>T (p.Leu237Phe)

Gene: NEB (nebulin; minus strand). Cytogenetic location: 2q23.3.
Variant type: single nucleotide variant.
Coding change: c.709C>T on transcript NM_001164508.2 (MANE Select); coding-DNA position 709, C replaced by T.
Protein change: p.Leu237Phe; replaces leucine 237 with phenylalanine.
Molecular consequence: missense variant.
Genome position (GRCh38, 1-based): chr2:151,723,390, G>A on the plus strand (C>T on the coding strand, the complement: NEB is on the minus strand). VCF-style: chr2-151723390-G-A. GRCh37 (hg19) VCF-style: chr2-152579904-G-A.
Other names: c.709C>T, p.Leu237Phe (NM_001164507.2, NM_001271208.2, NM_004543.5); short protein forms L237F.
Identifiers: ClinVar variation 2009681 (VCV002009681.1), dbSNP rs2552279123, ClinGen allele CA348790312.

ClinVar aggregate classification (germline): Uncertain significance (1 of 4 stars; one submission).

Conditions:
Nemaline myopathy 2 (NEM2). Also called: Nemaline myopathy 2, autosomal recessive. Identifiers: MedGen C1850569, MONDO:0009725, OMIM 256030.

Submission:

Labcorp Genetics (formerly Invitae), Labcorp
Classification: Uncertain significance for Nemaline myopathy 2. Last evaluated: 2022-06-23. Review status: criteria provided, single submitter. Criteria: Invitae Variant Classification Sherloc (09022015). Collection method: clinical testing. Allele origin: germline.
Comment: This sequence change replaces leucine, which is neutral and non-polar, with phenylalanine, which is neutral and non-polar, at codon 237 of the NEB protein (p.Leu237Phe). This variant is not present in population databases (gnomAD no frequency). This variant has not been reported in the literature in individuals affected with NEB-related conditions. Algorithms developed to predict the effect of missense changes on protein structure and function are either unavailable or do not agree on the potential impact of this missense change (SIFT: "Deleterious"; PolyPhen-2: "Not Available"; Align-GVGD: "Class C0"). In summary, the available evidence is currently insufficient to determine the role of this variant in disease. Therefore, it has been classified as a Variant of Uncertain Significance.